The following is an entry in ClinVar:

ClinVar aggregate classification (germline): Uncertain significance (1 of 4 stars; one submission).

Conditions:
TM9SF4-related disorder. Also called: TM9SF4-related condition.

Submission:

PreventionGenetics, part of Exact Sciences
Classification: Uncertain significance for TM9SF4-related condition. Last evaluated: 2025-03-12. Review status: criteria provided, single submitter. Criteria: ACMG Guidelines, 2015. Collection method: clinical testing. Allele origin: germline.
Comment: The TM9SF4 c.631C>G variant is predicted to result in the amino acid substitution p.Pro211Ala. To our knowledge, this variant has not been reported in the literature or in a large population database, indicating this variant is rare. At this time, the clinical significance of this variant is uncertain due to the absence of conclusive functional and genetic evidence.

NM_014742.4(TM9SF4):c.631C>G (p.Pro211Ala)

Gene: TM9SF4 (transmembrane 9 superfamily member 4; plus strand). Cytogenetic location: 20q11.21.
Variant type: single nucleotide variant.
Coding change: c.631C>G on transcript NM_014742.4 (MANE Select); coding-DNA position 631, C replaced by G.
Protein change: p.Pro211Ala; replaces proline 211 with alanine.
Molecular consequence: missense variant.
Genome position (GRCh38, 1-based): chr20:32,143,084, C>G. VCF-style: chr20-32143084-C-G. GRCh37 (hg19) VCF-style: chr20-30730887-C-G.
Other names: c.580C>G, p.Pro194Ala (NM_001363731.2); short protein forms P194A, P211A.
Identifiers: ClinVar variation 2632495 (VCV002632495.4), dbSNP rs2516093039, ClinGen allele CA408549781.